The following is an entry in ClinVar:

NM_001267550.2(TTN):c.5460_5466delinsAGT (p.Arg1821fs)

Gene: TTN (titin; minus strand). Cytogenetic location: 2q31.2.
Variant type: Indel.
Coding change: c.5460_5466delinsAGT on transcript NM_001267550.2 (MANE Select); coding-DNA positions 5460 to 5466, GAGAATG replaced by AGT.
Protein change: p.Arg1821fs; shifts the reading frame from arginine 1821.
Molecular consequence: frameshift variant.
Genome position (GRCh38, 1-based): chr2:178,776,398-178,776,404, CATTCTC replaced by ACT on the plus strand (GAGAATG replaced by AGT on the coding strand, the reverse complement: TTN is on the minus strand). VCF-style: chr2-178776398-CATTCTC-ACT. GRCh37 (hg19) VCF-style: chr2-179641125-CATTCTC-ACT.
Other names: c.5460_5466delinsAGT, p.Arg1821fs (NM_001256850.1, NM_133378.4, NM_133379.5); c.5322_5328delinsAGT, p.Arg1775fs (NM_003319.4, NM_133432.3, NM_133437.4); c.5322_5328delGAGAATGinsAGT (NM_003319.4); c.5460_5466delinsAGT (NM_001267550.1); short protein forms R1821fs, R1775fs.
Identifiers: ClinVar variation 519173 (VCV000519173.7), dbSNP rs1554007128, ClinGen allele CA658796065.

ClinVar aggregate classification (germline): Conflicting classifications of pathogenicity. Review status: criteria provided, conflicting classifications (1 of 4 stars). 2 submissions from 2 submitters: Likely pathogenic (1); Uncertain significance (1). Last evaluated 2025-03-04.

Conditions:
Cardiovascular phenotype. Identifiers: MedGen CN230736.

Submissions (2):

Ambry Genetics
Classification: Likely pathogenic for Cardiovascular phenotype. Last evaluated: 2025-03-04. Review status: criteria provided, single submitter. Criteria: Ambry Variant Classification Scheme 2023. Collection method: clinical testing. Allele origin: germline.
Comment: The c.5322_5328delGAGAATGinsAGT variant, located in coding exon 26 of the TTN gene, results from the deletion of 7 nucleotides and insertion of 3 nucleotides causing a translational frameshift with a predicted alternate stop codon (p.R1775Vfs*10). This exon is located in the near Z-disk/I-band region of the N2-B isoform of the titin protein and is constitutively expressed in TTN transcripts (percent spliced in or PSI 100%). This variant was reported in individual(s) with features consistent with dilated cardiomyopathy (Ambry internal data). This variant is considered to be rare based on population cohorts in the Genome Aggregation Database (gnomAD). This variant is expected to result in loss of function by premature protein truncation or nonsense-mediated mRNA decay. While truncating variants in TTN are present in 1-3% of the general population, truncating variants in the A-band are the most common cause of dilated cardiomyopathy (Herman DS et al. N. Engl. J. Med., 2012 Feb;366:619-28; Roberts AM et al. Sci Transl Med, 2015 Jan;7:270ra6). TTN truncating variants encoded in constitutive exons (PSI >90%) have been found to be significantly associated with DCM regardless of their position in titin (Schafer S et al. Nat. Genet., 2017 01;49:46-53; Akhtar MM et al. Circ Heart Fail, 2020 Oct;13:e006832; Massier M et al. Clin Genet, 2025 Jan). Based on the majority of available evidence to date, this variant is likely to be pathogenic.

GeneDx
Classification: Uncertain significance. Last evaluated: 2024-07-11. Review status: criteria provided, single submitter. Criteria: GeneDx Variant Classification Process June 2021. Collection method: clinical testing. Allele origin: germline. Affected: yes.
Comment: Has not been previously published as pathogenic or benign to our knowledge; Not observed at significant frequency in large population cohorts (gnomAD); Frameshift variant predicted to result in protein truncation or nonsense mediated decay in a gene or region of a gene for which loss of function is not a well-established mechanism of disease